The following is an entry in ClinVar:

ClinVar aggregate classification (germline): Uncertain significance (1 of 4 stars; one submission).

Conditions:
Beckwith-Wiedemann syndrome (BWS). Also called: EMG SYNDROME; Exomphalos macroglossia gigantism syndrome. Identifiers: Orphanet 116, MedGen C0004903, MONDO:0007534, OMIM 130650.

Allele frequency attached by ClinVar (database versions not stated): gnomAD exomes below 0.00001; gnomAD 0.00001.

Submission:

Labcorp Genetics (formerly Invitae), Labcorp
Classification: Uncertain significance for Beckwith-Wiedemann syndrome. Last evaluated: 2022-07-23. Review status: criteria provided, single submitter. Criteria: Invitae Variant Classification Sherloc (09022015). Collection method: clinical testing. Allele origin: germline.
Comment: This variant is not present in population databases (gnomAD no frequency). In summary, the available evidence is currently insufficient to determine the role of this variant in disease. Therefore, it has been classified as a Variant of Uncertain Significance. Algorithms developed to predict the effect of missense changes on protein structure and function are either unavailable or do not agree on the potential impact of this missense change (SIFT: "Deleterious"; PolyPhen-2: "Possibly Damaging"; Align-GVGD: "Class C0"). This variant has not been reported in the literature in individuals affected with CDKN1C-related conditions. This sequence change replaces glutamic acid, which is acidic and polar, with glycine, which is neutral and non-polar, at codon 13 of the CDKN1C protein (p.Glu13Gly).

NM_001122630.2(CDKN1C):c.5A>G (p.Glu2Gly)

Gene: CDKN1C (cyclin dependent kinase inhibitor 1C; minus strand). Cytogenetic location: 11p15.4.
Variant type: single nucleotide variant.
Coding change: c.5A>G on transcript NM_001122630.2 (MANE Select); coding-DNA position 5, A replaced by G.
Protein change: p.Glu2Gly; replaces glutamic acid 2 with glycine.
Molecular consequence: missense variant.
Genome position (GRCh38, 1-based): chr11:2,885,452, T>C on the plus strand (A>G on the coding strand, the complement: CDKN1C is on the minus strand). VCF-style: chr11-2885452-T-C. GRCh37 (hg19) VCF-style: chr11-2906682-T-C.
Other names: c.38A>G, p.Glu13Gly (NM_000076.2, NM_001362474.2); c.5A>G, p.Glu2Gly (NM_001122631.2, NM_001362475.2); short protein forms E13G, E2G.
Identifiers: ClinVar variation 2065911 (VCV002065911.4), dbSNP rs1848982599, ClinGen allele CA379147975.